The following is an entry in ClinVar:

NM_001303052.2(MYT1L):c.505G>A (p.Glu169Lys)

Gene: MYT1L (myelin transcription factor 1 like; minus strand). Cytogenetic location: 2p25.3.
Variant type: single nucleotide variant.
Coding change: c.505G>A on transcript NM_001303052.2 (MANE Select); coding-DNA position 505, G replaced by A.
Protein change: p.Glu169Lys; replaces glutamic acid 169 with lysine.
Molecular consequence: missense variant.
Genome position (GRCh38, 1-based): chr2:1,942,982, C>T on the plus strand (G>A on the coding strand, the complement: MYT1L is on the minus strand). VCF-style: chr2-1942982-C-T. GRCh37 (hg19) VCF-style: chr2-1946754-C-T.
Other names: c.505G>A, p.Glu169Lys (NM_001329846.3, NM_001329847.2, NM_001329848.1 and 6 more transcripts); short protein forms E169K.
Identifiers: ClinVar variation 978962 (VCV000978962.6), dbSNP rs2056816939, ClinGen allele CA345712375.
Genomic context (GRCh38, chr2:1,942,982, plus strand): 5'-TCACCTTGAACAGTGGACCCAAATCACGACTTGTTACTTTGCTAATATTTTAAAGATTAC[C>T]GTTTTCTTCTTCCTCTTCCTCCTCCTCCTCCTCCTCCTCTTCCTCTTCTTCATCCTCCAC-3'
Protein context (NP_001289981.1, residues 159-179): EEEEEEEEEN[Glu169Lys]DHQMNCHNTR

ClinVar aggregate classification (germline): Conflicting classifications of pathogenicity. Review status: criteria provided, conflicting classifications (1 of 4 stars). 3 submissions from 3 submitters: Pathogenic (1); Likely pathogenic (1); Uncertain significance (1). Last evaluated 2025-11-06.

Conditions:
Inborn genetic diseases. Identifiers: MedGen C0950123, MeSH D030342.
Intellectual disability. Also called: intellectual disabilities; Intellectual developmental disorder; Intellectual functioning disability. Identifiers: MedGen C3714756, MeSH D008607, MONDO:0001071, HP:0001249.

Submissions (3):

Ambry Genetics
Classification: Likely pathogenic for Inborn genetic diseases. Last evaluated: 2025-11-06. Review status: criteria provided, single submitter. Criteria: Ambry Variant Classification Scheme 2023. Collection method: clinical testing. Allele origin: germline.
Comment: The c.505G>A (p.E169K) alteration is located in exon 9 (coding exon 4) of the MYT1L gene. This alteration results from a G to A substitution at nucleotide position 505, causing the glutamic acid (E) at amino acid position 169 to be replaced by a lysine (K). This change occurs in the last base pair of exon 9 (coding exon4), which makes it likely to have some effect on normal mRNA splicing. This variant was not reported in population-based cohorts in the Genome Aggregation Database (gnomAD). This variant was determined to be de novo in at least one individual with features consistent with MYT1L-related neurodevelopmental disorder (Coursimault, 2022). This nucleotide position is highly conserved in available vertebrate species. This amino acid position is well conserved in available vertebrate species. This amino acid change is predicted to be tolerated by in silico analysis. In silico splice site analysis predicts that this alteration will weaken the native splice donor site. Based on the available evidence, this alteration is classified as likely pathogenic.

GeneDx
Classification: Pathogenic. Last evaluated: 2022-12-09. Review status: criteria provided, single submitter. Criteria: GeneDx Variant Classification Process June 2021. Collection method: clinical testing. Allele origin: germline. Affected: yes.
Comment: Change at the last nucleotide position in a gene for which loss-of-function is a known mechanism of disease, and splice predictors support a deleterious effect; Not observed in large population cohorts (gnomAD); This variant is associated with the following publications: (PMID: 34748075)

Diagnostic Laboratory, Strasbourg University Hospital
Classification: Uncertain significance for Intellectual disability. Last evaluated: 2020-04-20. Review status: criteria provided, single submitter. Criteria: ACMG Guidelines, 2015. Collection method: clinical testing. Allele origin: de novo. Inheritance: Autosomal dominant inheritance. Affected: yes. Observed: 1 heterozygote.

Literature cited by the submitters: PubMed 34748075 (cited by Ambry Genetics).